The following is an entry in ClinVar:

ClinVar aggregate classification (germline): Conflicting classifications of pathogenicity. Review status: criteria provided, conflicting classifications (1 of 4 stars). 6 submissions from 6 submitters: Uncertain significance (5); Likely benign (1). Last evaluated 2025-08-04.

Conditions:
Bethlem myopathy 1A. Also called: Bethlem myopathy 1; Bethlem Muscular Dystrophy; MYOPATHY, BENIGN CONGENITAL, WITH CONTRACTURES. Identifiers: Orphanet 610, MedGen CN029274, MONDO:0024530, OMIM 158810.
Inborn genetic diseases. Identifiers: MedGen C0950123, MeSH D030342.

Allele frequency attached by ClinVar (database versions not stated): gnomAD 0.00005 and 0.00006; TOPMed 0.00006; gnomAD exomes 0.00007; ExAC 0.00011.

Submissions (6):

Ambry Genetics
Classification: Uncertain significance for Inborn genetic diseases. Last evaluated: 2025-08-04. Review status: criteria provided, single submitter. Criteria: Ambry Variant Classification Scheme 2023. Collection method: clinical testing. Allele origin: germline.

Labcorp Genetics (formerly Invitae), Labcorp
Classification: Likely benign for Bethlem myopathy 1A. Last evaluated: 2025-05-15. Review status: criteria provided, single submitter. Criteria: Invitae Variant Classification Sherloc (09022015). Collection method: clinical testing. Allele origin: germline.

GeneDx
Classification: Uncertain significance. Last evaluated: 2024-01-25. Review status: criteria provided, single submitter. Criteria: GeneDx Variant Classification Process June 2021. Collection method: clinical testing. Allele origin: germline. Affected: yes.
Comment: In silico analysis supports that this missense variant does not alter protein structure/function; Has not been previously published as pathogenic or benign to our knowledge

Blueprint Genetics
Classification: Uncertain significance. Last evaluated: 2021-09-19. Review status: criteria provided, single submitter. Criteria: ACMG Guidelines, 2015. Collection method: clinical testing. Allele origin: germline.

Revvity Omics, Revvity
Classification: Uncertain significance. Last evaluated: 2020-10-14. Review status: criteria provided, single submitter. Criteria: ACMG Guidelines, 2015. Collection method: clinical testing. Allele origin: germline.

Eurofins Ntd Llc (ga)
Classification: Uncertain significance. Last evaluated: 2016-06-07. Review status: criteria provided, single submitter. Criteria: EGL Classification Definitions 2015. Collection method: clinical testing. Allele origin: germline. Observed: 1 variant allele, 1 heterozygote.

NM_001849.4(COL6A2):c.1348G>C (p.Glu450Gln)

Gene: COL6A2 (collagen type VI alpha 2 chain; plus strand). Cytogenetic location: 21q22.3.
Variant type: single nucleotide variant.
Coding change: c.1348G>C on transcript NM_001849.4 (MANE Select); coding-DNA position 1348, G replaced by C.
Protein change: p.Glu450Gln; replaces glutamic acid 450 with glutamine.
Molecular consequence: missense variant.
Genome position (GRCh38, 1-based): chr21:46,120,530, G>C. VCF-style: chr21-46120530-G-C. GRCh37 (hg19) VCF-style: chr21-47540444-G-C.
Other names: c.1348G>C, p.Glu450Gln (NM_058174.3, NM_058175.3); short protein forms E450Q.
Identifiers: ClinVar variation 288611 (VCV000288611.19), dbSNP rs757846451, ClinGen allele CA10071841.
Genomic context (GRCh38, chr21:46,120,530, plus strand): 5'-GAGGCCTCAGCTGAGACCCGTGGGGCCTCCCTTCCCTTCCCACAGGGGGACCCTGGCCCT[G>C]AGGGGCCCCGCGGCCTGGCTGGAGAGGTTGGCAACAAAGGAGCCAAGGTAGGGGAGCAGG-3'
Protein context (NP_001840.3, residues 440-460): PKGEKGDPGP[Glu450Gln]GPRGLAGEVG